The following is an entry in ClinVar:

NM_000135.4(FANCA):c.3638C>T (p.Pro1213Leu)

Gene: FANCA (FA complementation group A; minus strand). Cytogenetic location: 16q24.3.
Variant type: single nucleotide variant.
Coding change: c.3638C>T on transcript NM_000135.4 (MANE Select); coding-DNA position 3638, C replaced by T.
Protein change: p.Pro1213Leu; replaces proline 1213 with leucine.
Molecular consequence: missense variant.
Genome position (GRCh38, 1-based): chr16:89,742,927, G>A on the plus strand (C>T on the coding strand, the complement: FANCA is on the minus strand). VCF-style: chr16-89742927-G-A. GRCh37 (hg19) VCF-style: chr16-89809335-G-A.
Other names: c.3638C>T, p.Pro1213Leu (NM_001286167.3); short protein forms P1213L.
Identifiers: ClinVar variation 4870918 (VCV004870918.1).

ClinVar aggregate classification (germline): Uncertain significance (1 of 4 stars; one submission).

Conditions:
Inborn genetic diseases. Identifiers: MedGen C0950123, MeSH D030342.

Submission:

Ambry Genetics
Classification: Uncertain significance for Inborn genetic diseases. Last evaluated: 2026-06-09. Review status: criteria provided, single submitter. Criteria: Ambry Variant Classification Scheme 2023. Collection method: clinical testing. Allele origin: germline.
Comment: The p.P1213L variant (also known as c.3638C>T), located in coding exon 37 of the FANCA gene, results from a C to T substitution at nucleotide position 3638. The proline at codon 1213 is replaced by leucine, an amino acid with similar properties. This amino acid position is conserved. In addition, this alteration is predicted to be tolerated by in silico analysis. Based on the available evidence, the clinical significance of this variant remains unclear.